The following is an entry in ClinVar:

ClinVar aggregate classification (germline): Uncertain significance. Review status: criteria provided, multiple submitters, no conflicts (2 of 4 stars). 2 submissions from 2 submitters: Uncertain significance (2). Last evaluated 2023-01-28.

Conditions:
DICER1-related tumor predisposition. Also called: DICER1 syndrome; DICER1-related pleuropulmonary blastoma cancer predisposition syndrome. Identifiers: Orphanet 284343, MedGen C3839822, MONDO:0100216.
Hereditary cancer-predisposing syndrome. Also called: Hereditary neoplastic syndrome; Tumor predisposition; Neoplastic Syndromes, Hereditary; Hereditary Cancer Syndrome. Identifiers: Orphanet 140162, MedGen C0027672, MeSH D009386, MONDO:0015356.

Submissions (2):

Ambry Genetics
Classification: Uncertain significance for Hereditary cancer-predisposing syndrome. Last evaluated: 2023-01-28. Review status: criteria provided, single submitter. Criteria: Ambry Variant Classification Scheme 2023. Collection method: clinical testing. Allele origin: germline.
Comment: The p.S132F variant (also known as c.395C>T), located in coding exon 3 of the DICER1 gene, results from a C to T substitution at nucleotide position 395. The serine at codon 132 is replaced by phenylalanine, an amino acid with highly dissimilar properties. This amino acid position is conserved. In addition, this alteration is predicted to be tolerated by in silico analysis. Since supporting evidence is limited at this time, the clinical significance of this alteration remains unclear.

Labcorp Genetics (formerly Invitae), Labcorp
Classification: Uncertain significance for DICER1-related tumor predisposition. Last evaluated: 2019-11-26. Review status: criteria provided, single submitter. Criteria: Invitae Variant Classification Sherloc (09022015). Collection method: clinical testing. Allele origin: germline.
Comment: This variant has not been reported in the literature in individuals with DICER1-related conditions. In summary, the available evidence is currently insufficient to determine the role of this variant in disease. Therefore, it has been classified as a Variant of Uncertain Significance. Algorithms developed to predict the effect of missense changes on protein structure and function are either unavailable or do not agree on the potential impact of this missense change (SIFT: "Tolerated"; PolyPhen-2: "Possibly Damaging"; Align-GVGD: "Class C0"). This variant is not present in population databases (ExAC no frequency). This sequence change replaces serine with phenylalanine at codon 132 of the DICER1 protein (p.Ser132Phe). The serine residue is moderately conserved and there is a large physicochemical difference between serine and phenylalanine.

NM_177438.3(DICER1):c.395C>T (p.Ser132Phe)

Gene: DICER1 (dicer 1, ribonuclease III; minus strand). Cytogenetic location: 14q32.13.
Variant type: single nucleotide variant.
Coding change: c.395C>T on transcript NM_177438.3 (MANE Select); coding-DNA position 395, C replaced by T.
Protein change: p.Ser132Phe; replaces serine 132 with phenylalanine.
Molecular consequence: missense variant.
Genome position (GRCh38, 1-based): chr14:95,131,552, G>A on the plus strand (C>T on the coding strand, the complement: DICER1 is on the minus strand). VCF-style: chr14-95131552-G-A. GRCh37 (hg19) VCF-style: chr14-95597889-G-A.
Other names: c.395C>T, p.Ser132Phe (NM_001195573.1, NM_001271282.3, NM_001291628.2 and 1 more transcripts); short protein forms S132F.
Identifiers: ClinVar variation 856857 (VCV000856857.12), dbSNP rs1893949571, ClinGen allele CA390888978.